The following is an entry in ClinVar:

NM_000107.3(DDB2):c.-120G>A

Genes: DDB2 (damage specific DNA binding protein 2; plus strand), LOC126861205 (MED14-independent group 3 enhancer GRCh37_chr11:47236089-47237288; plus strand). Cytogenetic location: 11p11.2.
Variant type: single nucleotide variant.
Coding change: c.-120G>A on transcript NM_000107.3 (MANE Select); 120 bases upstream of the start codon, G replaced by A.
Molecular consequence: 5 prime UTR variant.
Genome position (GRCh38, 1-based): chr11:47,215,017, G>A. VCF-style: chr11-47215017-G-A. GRCh37 (hg19) VCF-style: chr11-47236568-G-A.
Other names: c.-120G>A (NM_001300734.2).
Identifiers: ClinVar variation 304913 (VCV000304913.8), dbSNP rs4647707, ClinGen allele CA10630995.

ClinVar aggregate classification (germline): Benign. Review status: criteria provided, multiple submitters, no conflicts (2 of 4 stars). 3 submissions from 3 submitters: Benign (3). Last evaluated 2019-02-28.

Conditions:
Xeroderma pigmentosum, group E (XPE). Also called: Xeroderma pigmentosum, complementation group E; Xeroderma pigmentosum, group E, DDB-negative subtype; XERODERMA PIGMENTOSUM V; XP, GROUP E; DDB2-Related Xeroderma Pigmentosum; Xeroderma pigmentosum, complementation group E, DDB-negative form. Identifiers: Orphanet 910, MedGen C1848411, MONDO:0010213, OMIM 278740.

Allele frequency attached by ClinVar (database versions not stated): gnomAD 0.08985; 1000 Genomes Project 0.10124; TOPMed 0.10386; 1000 Genomes Project 30x 0.10978.
gnomAD v4.1: 27,057 of 1,493,168 alleles (1.8%); highest among the groups gnomAD compares: African/African-American, 33%; 4,020 homozygotes.

Submissions (3):

GeneDx
Classification: Benign. Last evaluated: 2019-02-28. Review status: criteria provided, single submitter. Criteria: GeneDx Variant Classification Process June 2021. Collection method: clinical testing. Allele origin: germline. Affected: yes.

Illumina Laboratory Services, Illumina
Classification: Benign for Xeroderma pigmentosum, group E. Last evaluated: 2018-01-13. Review status: criteria provided, single submitter. Criteria: ICSL Variant Classification Criteria 13 December 2019. Collection method: clinical testing. Allele origin: germline.
Comment: This variant was observed in the ICSL laboratory as part of a predisposition screen in an ostensibly healthy population. It had not been previously curated by ICSL or reported in the Human Gene Mutation Database (HGMD: prior to June 1st, 2018), and was therefore a candidate for classification through an automated scoring system. Utilizing variant allele frequency, disease prevalence and penetrance estimates, and inheritance mode, an automated score was calculated to assess if this variant is too frequent to cause the disease. Based on the score and internal cut-off values, a variant classified as benign is not then subjected to further curation. The score for this variant resulted in a classification of benign for this disease.

Breakthrough Genomics
Classification: Benign. Review status: criteria provided, single submitter. Criteria: ACMG Guidelines, 2015. Collection method: not provided. Allele origin: germline. Inheritance: Autosomal recessive inheritance. Affected: yes.